The following is an entry in ClinVar:

NM_001308210.2(TSHZ1):c.1877G>A (p.Ser626Asn)

Gene: TSHZ1 (teashirt zinc finger homeobox 1; plus strand). Cytogenetic location: 18q22.3.
Variant type: single nucleotide variant.
Coding change: c.1877G>A on transcript NM_001308210.2 (MANE Select); coding-DNA position 1877, G replaced by A.
Protein change: p.Ser626Asn; replaces serine 626 with asparagine.
Molecular consequence: missense variant.
Genome position (GRCh38, 1-based): chr18:75,287,284, G>A. VCF-style: chr18-75287284-G-A. GRCh37 (hg19) VCF-style: chr18-72999239-G-A.
Other names: c.1742G>A, p.Ser581Asn (NM_005786.6); short protein forms S581N, S626N.
Identifiers: ClinVar variation 4984925 (VCV004984925.1).

ClinVar aggregate classification (germline): Uncertain significance (1 of 4 stars; one submission).

Conditions:
TSHZ1-related disorder. Also called: TSHZ1-related condition.

gnomAD v4.1: 8 of 1,614,036 alleles (0.0005%); highest among the groups gnomAD compares: Non-Finnish European, 0.00068%; no homozygotes.

Submission:

PreventionGenetics, part of Exact Sciences
Classification: Uncertain significance for TSHZ1-related condition. Last evaluated: 2025-10-16. Review status: criteria provided, single submitter. Criteria: ACMG Guidelines, 2015. Collection method: clinical testing. Allele origin: germline.
Comment: The TSHZ1 c.1742G>A variant is predicted to result in the amino acid substitution p.Ser581Asn. To our knowledge, this variant has not been reported in the literature. This variant is reported in 0.0018% of alleles in individuals of European (Non-Finnish) descent in gnomAD. At this time, the clinical significance of this variant is uncertain due to the absence of conclusive functional and genetic evidence.